The following is an entry in ClinVar:

ClinVar aggregate classification (germline): Uncertain significance. Review status: criteria provided, multiple submitters, no conflicts (2 of 4 stars). 3 submissions from 3 submitters: Uncertain significance (3). Last evaluated 2026-09-01.

Conditions:
ATP6AP1-related disorder. Also called: ATP6AP1-related disorders; ATP6AP1-related condition.
Inborn genetic diseases. Identifiers: MedGen C0950123, MeSH D030342.

Allele frequency attached by ClinVar (database versions not stated): gnomAD exomes below 0.00001 and 0.00001.
gnomAD v4.1: 2 of 1,212,430 alleles (0.00016%); highest among the groups gnomAD compares: Non-Finnish European, 0.00011%; no homozygotes.

Submissions (3):

PreventionGenetics, part of Exact Sciences
Classification: Uncertain significance for ATP6AP1-related condition. Last evaluated: 2026-09-01. Review status: criteria provided, single submitter. Criteria: ACMG Guidelines, 2015. Collection method: clinical testing. Allele origin: germline.
Comment: The ATP6AP1 c.421G>C variant is predicted to result in the amino acid substitution p.Val141Leu. To our knowledge, this variant has not been reported in the literature. This variant is reported in 0.0025% of alleles in individuals of European (Non-Finnish) descent in gnomAD. At this time, the clinical significance of this variant is uncertain due to the absence of conclusive functional and genetic evidence.

Ambry Genetics
Classification: Uncertain significance for Inborn genetic diseases. Last evaluated: 2025-02-12. Review status: criteria provided, single submitter. Criteria: Ambry Variant Classification Scheme 2023. Collection method: clinical testing. Allele origin: germline.

Labcorp Genetics (formerly Invitae), Labcorp
Classification: Uncertain significance. Last evaluated: 2024-06-14. Review status: criteria provided, single submitter. Criteria: Invitae Variant Classification Sherloc (09022015). Collection method: clinical testing. Allele origin: germline.
Comment: This sequence change replaces valine, which is neutral and non-polar, with leucine, which is neutral and non-polar, at codon 141 of the ATP6AP1 protein (p.Val141Leu). This variant is present in population databases (no rsID available, gnomAD 0.003%), including at least one homozygous and/or hemizygous individual. This variant has not been reported in the literature in individuals affected with ATP6AP1-related conditions. ClinVar contains an entry for this variant (Variation ID: 1440124). Advanced modeling of protein sequence and biophysical properties (such as structural, functional, and spatial information, amino acid conservation, physicochemical variation, residue mobility, and thermodynamic stability) performed at Invitae indicates that this missense variant is not expected to disrupt ATP6AP1 protein function with a negative predictive value of 80%. In summary, the available evidence is currently insufficient to determine the role of this variant in disease. Therefore, it has been classified as a Variant of Uncertain Significance.

NM_001183.6(ATP6AP1):c.421G>C (p.Val141Leu)

Gene: ATP6AP1 (ATPase H+ transporting accessory protein 1; plus strand). Cytogenetic location: Xq28.
Variant type: single nucleotide variant.
Coding change: c.421G>C on transcript NM_001183.6 (MANE Select); coding-DNA position 421, G replaced by C.
Protein change: p.Val141Leu; replaces valine 141 with leucine.
Molecular consequence: missense variant.
Genome position (GRCh38, 1-based): chrX:154,432,323, G>C. VCF-style: chrX-154432323-G-C. GRCh37 (hg19) VCF-style: chrX-153660669-G-C.
Other names: c.421G>C (NM_001183.4, NM_001183.5); short protein forms V141L.
Identifiers: ClinVar variation 1440124 (VCV001440124.10), dbSNP rs1557196943, ClinGen allele CA415189446.